The following is an entry in ClinVar:

ClinVar aggregate classification (germline): Uncertain significance. Review status: criteria provided, multiple submitters, no conflicts (2 of 4 stars). 2 submissions from 2 submitters: Uncertain significance (2). Last evaluated 2024-12-25.

Conditions:
Inborn genetic diseases. Identifiers: MedGen C0950123, MeSH D030342.

Allele frequency attached by ClinVar (database versions not stated): gnomAD exomes below 0.00001; TOPMed below 0.00001; ExAC 0.00001.
gnomAD v4.1: 24 of 1,614,112 alleles (0.0015%); highest among the groups gnomAD compares: Non-Finnish European, 0.0019%; no homozygotes.

Submissions (2):

Ambry Genetics
Classification: Uncertain significance for Inborn genetic diseases. Last evaluated: 2024-12-25. Review status: criteria provided, single submitter. Criteria: Ambry Variant Classification Scheme 2023. Collection method: clinical testing. Allele origin: germline.

Labcorp Genetics (formerly Invitae), Labcorp
Classification: Uncertain significance. Last evaluated: 2022-08-09. Review status: criteria provided, single submitter. Criteria: Invitae Variant Classification Sherloc (09022015). Collection method: clinical testing. Allele origin: germline.
Comment: This sequence change replaces arginine, which is basic and polar, with histidine, which is basic and polar, at codon 745 of the SKIV2L protein (p.Arg745His). The frequency data for this variant in the population databases is considered unreliable, as metrics indicate poor data quality at this position in the gnomAD database. This variant has not been reported in the literature in individuals affected with SKIV2L-related conditions. ClinVar contains an entry for this variant (Variation ID: 1480341). Algorithms developed to predict the effect of missense changes on protein structure and function are either unavailable or do not agree on the potential impact of this missense change (SIFT: "Tolerated"; PolyPhen-2: "Possibly Damaging"; Align-GVGD: "Class C0"). In summary, the available evidence is currently insufficient to determine the role of this variant in disease. Therefore, it has been classified as a Variant of Uncertain Significance.

NM_006929.5(SKIC2):c.2234G>A (p.Arg745His)

Gene: SKIC2 (SKI2 subunit of superkiller complex; plus strand). Cytogenetic location: 6p21.33.
Variant type: single nucleotide variant.
Coding change: c.2234G>A on transcript NM_006929.5 (MANE Select); coding-DNA position 2234, G replaced by A.
Protein change: p.Arg745His; replaces arginine 745 with histidine.
Molecular consequence: missense variant.
Genome position (GRCh38, 1-based): chr6:31,966,740, G>A. VCF-style: chr6-31966740-G-A. GRCh37 (hg19) VCF-style: chr6-31934517-G-A.
Other names: c.2234G>A (NM_006929.4); short protein forms R745H.
Identifiers: ClinVar variation 1480341 (VCV001480341.6), dbSNP rs765432736, ClinGen allele CA3729721.